The following is an entry in ClinVar:

ClinVar aggregate classification (germline): Uncertain significance (1 of 4 stars; one submission).

Conditions:
DICER1-related tumor predisposition. Also called: DICER1 syndrome; DICER1-related pleuropulmonary blastoma cancer predisposition syndrome. Identifiers: Orphanet 284343, MedGen C3839822, MONDO:0100216.

Submission:

Labcorp Genetics (formerly Invitae), Labcorp
Classification: Uncertain significance for DICER1-related tumor predisposition. Last evaluated: 2020-12-25. Review status: criteria provided, single submitter. Criteria: Invitae Variant Classification Sherloc (09022015). Collection method: clinical testing. Allele origin: germline.
Comment: In summary, the available evidence is currently insufficient to determine the role of this variant in disease. Therefore, it has been classified as a Variant of Uncertain Significance. Algorithms developed to predict the effect of missense changes on protein structure and function are either unavailable or do not agree on the potential impact of this missense change (SIFT: "Deleterious"; PolyPhen-2: "Benign"; Align-GVGD: "Class C0"). This variant has not been reported in the literature in individuals with DICER1-related conditions. This variant is not present in population databases (ExAC no frequency). This sequence change replaces arginine with glycine at codon 1839 of the DICER1 protein (p.Arg1839Gly). The arginine residue is moderately conserved and there is a moderate physicochemical difference between arginine and glycine.

NM_177438.3(DICER1):c.5515C>G (p.Arg1839Gly)

Gene: DICER1 (dicer 1, ribonuclease III; minus strand). Cytogenetic location: 14q32.13.
Variant type: single nucleotide variant.
Coding change: c.5515C>G on transcript NM_177438.3 (MANE Select); coding-DNA position 5515, C replaced by G.
Protein change: p.Arg1839Gly; replaces arginine 1839 with glycine.
Molecular consequence: missense variant. On other transcripts: intron variant (1).
Genome position (GRCh38, 1-based): chr14:95,091,215, G>C on the plus strand (C>G on the coding strand, the complement: DICER1 is on the minus strand). VCF-style: chr14-95091215-G-C. GRCh37 (hg19) VCF-style: chr14-95557552-G-C.
Other names: c.5515C>G, p.Arg1839Gly (NM_001271282.3, NM_001291628.2, NM_030621.4); c.5365-106C>G (NM_001195573.1); short protein forms R1839G.
Identifiers: ClinVar variation 1497494 (VCV001497494.9), dbSNP rs1447120867, ClinGen allele CA390864481.
Genomic context (GRCh38, chr14:95,091,215, plus strand): 5'-GTTTTTAATTTTGTGGGTTTTTTTCTTTCTAAAGGGAGCCAACAATACCTATTAGTGGCC[G>C]CATCATGGGATAGTACACCTGCCAGACTGTCTCCAGTGACATCCCACTATCCATGTAAAT-3'
Protein context (NP_803187.1, residues 1829-1849): TVWQVYYPMM[Arg1839Gly]PLIEKFSANV